The following is an entry in ClinVar:

NM_014208.3(DSPP):c.2018A>G (p.Asp673Gly)

Genes: DMP1-AS1 (DMP1 and DSPP antisense RNA 1; minus strand), DSPP (dentin sialophosphoprotein; plus strand). Cytogenetic location: 4q22.1.
Variant type: single nucleotide variant.
Coding change: c.2018A>G on transcript NM_014208.3 (MANE Select); coding-DNA position 2018, A replaced by G.
Protein change: p.Asp673Gly; replaces aspartic acid 673 with glycine.
Molecular consequence: missense variant.
Genome position (GRCh38, 1-based): chr4:87,614,680, A>G. VCF-style: chr4-87614680-A-G. GRCh37 (hg19) VCF-style: chr4-88535832-A-G.
Other names: short protein forms D673G.
Identifiers: ClinVar variation 4886680 (VCV004886680.2).

ClinVar aggregate classification (germline): Uncertain significance (1 of 4 stars; one submission).

Submission:

Dasa
Classification: Uncertain significance. Last evaluated: 2025-11-05. Review status: criteria provided, single submitter. Criteria: DASA Assertion Criteria. Collection method: clinical testing. Allele origin: germline.
Comment: NM_014208.3(DSPP):c.2018A>G (p.Asp673Gly) is a missense variant that results in the substitution of aspartic acid with glycine. This variant is rare in population databases. Computational prediction algorithms are consistent with a benign effect. The currently available literature and clinical evidence are not sufficient to establish a definitive association between this variant and the reported condition. Therefore, this variant is classified as a variant of uncertain significance.